The following is an entry in ClinVar:

NC_000011.9:g.(?_17474656)_(17542968_?)del

Genes: ABCC8 (ATP binding cassette subfamily C member 8; minus strand), USH1C (USH1 protein network component harmonin; minus strand). Cytogenetic location: 11p15.1.
Variant type: Deletion.
Identifiers: ClinVar variation 1457466 (VCV001457466.6).

ClinVar aggregate classification (germline): Pathogenic (1 of 4 stars; one submission).

Submission:

Labcorp Genetics (formerly Invitae), Labcorp
Classification: Pathogenic. Last evaluated: 2020-11-13. Review status: criteria provided, single submitter. Criteria: Invitae Variant Classification Sherloc (09022015). Collection method: clinical testing. Allele origin: germline.
Comment: For these reasons, this variant has been classified as Pathogenic. A similar copy number variant has been observed in individual(s) with congenital hyperinsulinism (PMID: 21978130). This variant is a gross deletion of the genomic region encompassing exon(s) 1-7 of the ABCC8 gene, which includes the initiator codon. The 5' end of this event is unknown as it extends beyond the assayed region for this gene and therefore may encompass additional genes. The 3' boundary is likely confined to intron 7 of the ABCC8 gene. It is expected to result in an absent or disrupted protein product. Loss-of-function variants in ABCC8 are known to be pathogenic (PMID: 20685672, 23345197).

Literature cited by the submitters: PubMed 21978130; PubMed 20685672; PubMed 23345197.